The following is an entry in ClinVar:

ClinVar aggregate classification (germline): Uncertain significance. Review status: criteria provided, single submitter (1 of 4 stars). 2 submissions from 2 submitters: Uncertain significance (1). 1 of the submissions does not count toward it. Last evaluated 2022-07-01.

Conditions:
TTN-related disorder. Also called: TTN-related condition; TTN-related disease; TTN-related disorders.

Allele frequency attached by ClinVar (database versions not stated): ExAC 0.00002; gnomAD 0.00003; gnomAD exomes 0.00004; TOPMed 0.00006.
gnomAD v4.1: 67 of 1,613,294 alleles (0.0042%); highest among the groups gnomAD compares: Admixed American, 0.0083%; no homozygotes.

Submissions (2):

Revvity Omics, Revvity
Classification: Uncertain significance. Last evaluated: 2022-07-01. Review status: criteria provided, single submitter. Criteria: ACMG Guidelines, 2015. Collection method: clinical testing. Allele origin: germline.

PreventionGenetics, part of Exact Sciences
Classification: Likely benign for TTN-related condition. Last evaluated: 2024-02-02. Review status: no assertion criteria provided. Collection method: clinical testing. Allele origin: germline. Not counted in ClinVar's aggregate classification.
Comment: This variant is classified as likely benign based on ACMG/AMP sequence variant interpretation guidelines (Richards et al. 2015 PMID: 25741868, with internal and published modifications).

NM_001267550.2(TTN):c.21189G>A (p.Leu7063=)

Genes: TTN (titin; minus strand), LOC126806428 (BRD4-independent group 4 enhancer GRCh37_chr2:179588362-179589561; plus strand). Cytogenetic location: 2q31.2.
Variant type: single nucleotide variant.
Coding change: c.21189G>A on transcript NM_001267550.2 (MANE Select); coding-DNA position 21189, G replaced by A.
Protein change: p.Leu7063=; no amino-acid change (leucine 7063 retained).
Molecular consequence: synonymous variant. On other transcripts: intron variant (3).
Genome position (GRCh38, 1-based): chr2:178,724,070, C>T on the plus strand (G>A on the coding strand, the complement: TTN is on the minus strand). VCF-style: chr2-178724070-C-T. GRCh37 (hg19) VCF-style: chr2-179588797-C-T.
Other names: c.20238G>A, p.Leu6746= (NM_001256850.1); c.17457G>A, p.Leu5819= (NM_133378.4); c.13282+14012G>A (NM_003319.4); c.13858+14012G>A (NM_133437.4); c.13657+14012G>A (NM_133432.3).
Identifiers: ClinVar variation 2438392 (VCV002438392.5), dbSNP rs758622900, ClinGen allele CA2001065.